The following is an entry in ClinVar:

ClinVar aggregate classification (germline): Uncertain significance. Review status: criteria provided, multiple submitters, no conflicts (2 of 4 stars). 2 submissions from 2 submitters: Uncertain significance (2). Last evaluated 2023-08-25.

Conditions:
Cardiovascular phenotype. Identifiers: MedGen CN230736.
Dilated cardiomyopathy 1HH (CMD1HH). Identifiers: Orphanet 154, MedGen C3151293, MONDO:0013479, OMIM 613881.
Myofibrillar myopathy 6. Identifiers: Orphanet 199340, MedGen C2751831, MONDO:0013061, OMIM 612954.

gnomAD v4.1: 3 of 1,600,596 alleles (0.00019%); highest among the groups gnomAD compares: African/African-American, 0.0027%; no homozygotes.

Submissions (2):

Ambry Genetics
Classification: Uncertain significance for Cardiovascular phenotype. Last evaluated: 2023-08-25. Review status: criteria provided, single submitter. Criteria: Ambry Variant Classification Scheme 2023. Collection method: clinical testing. Allele origin: germline.
Comment: The p.P32R variant (also known as c.95C>G), located in coding exon 1 of the BAG3 gene, results from a C to G substitution at nucleotide position 95. The proline at codon 32 is replaced by arginine, an amino acid with dissimilar properties. This amino acid position is conserved. In addition, the in silico prediction for this alteration is inconclusive. Since supporting evidence is limited at this time, the clinical significance of this alteration remains unclear.

Labcorp Genetics (formerly Invitae), Labcorp
Classification: Uncertain significance for Dilated cardiomyopathy 1HH; Myofibrillar myopathy 6. Last evaluated: 2023-07-18. Review status: criteria provided, single submitter. Criteria: Invitae Variant Classification Sherloc (09022015). Collection method: clinical testing. Allele origin: germline.
Comment: This sequence change replaces proline, which is neutral and non-polar, with arginine, which is basic and polar, at codon 32 of the BAG3 protein (p.Pro32Arg). This variant is not present in population databases (gnomAD no frequency). This variant has not been reported in the literature in individuals affected with BAG3-related conditions. An algorithm developed to predict the effect of missense changes on protein structure and function (PolyPhen-2) suggests that this variant is likely to be disruptive. In summary, the available evidence is currently insufficient to determine the role of this variant in disease. Therefore, it has been classified as a Variant of Uncertain Significance.

NM_004281.4(BAG3):c.95C>G (p.Pro32Arg)

Gene: BAG3 (BAG cochaperone 3; plus strand). Cytogenetic location: 10q26.11.
Variant type: single nucleotide variant.
Coding change: c.95C>G on transcript NM_004281.4 (MANE Select); coding-DNA position 95, C replaced by G.
Protein change: p.Pro32Arg; replaces proline 32 with arginine.
Molecular consequence: missense variant.
Genome position (GRCh38, 1-based): chr10:119,651,770, C>G. VCF-style: chr10-119651770-C-G. GRCh37 (hg19) VCF-style: chr10-121411282-C-G.
Other names: short protein forms P32R.
Identifiers: ClinVar variation 2587229 (VCV002587229.4), dbSNP rs759915726, ClinGen allele CA378294166.